The following is an entry in ClinVar:

NM_001038.6(SCNN1A):c.1910T>C (p.Leu637Ser)

Gene: SCNN1A (sodium channel epithelial 1 subunit alpha; minus strand). Cytogenetic location: 12p13.31.
Variant type: single nucleotide variant.
Coding change: c.1910T>C on transcript NM_001038.6 (MANE Select); coding-DNA position 1910, T replaced by C.
Protein change: p.Leu637Ser; replaces leucine 637 with serine.
Molecular consequence: missense variant.
Genome position (GRCh38, 1-based): chr12:6,347,973, A>G on the plus strand (T>C on the coding strand, the complement: SCNN1A is on the minus strand). VCF-style: chr12-6347973-A-G. GRCh37 (hg19) VCF-style: chr12-6457139-A-G.
Other names: c.1979T>C, p.Leu660Ser (NM_001159575.2); c.2087T>C, p.Leu696Ser (NM_001159576.2); short protein forms L637S, L660S, L696S.
Identifiers: ClinVar variation 4532396 (VCV004532396.1).
Genomic context (GRCh38, chr12:6,347,973, plus strand): 5'-GCAGAGCCCCCTGGAGATGGGCGGGGGCCCAGGGTGGCATAGGCAGGGGGAGGGGCTGTC[A>G]AGGCTGGAGAGGGAGCAGGGCCTGGCTGGGACAAGGACAGAGACATGGGGTGGGGGCAGA-3'
Protein context (NP_001029.1, residues 627-647): SQPGPAPSPA[Leu637Ser]TAPPPAYATL

ClinVar aggregate classification (germline): Uncertain significance (1 of 4 stars; one submission).

Submission:

GeneDx
Classification: Uncertain significance. Last evaluated: 2025-05-23. Review status: criteria provided, single submitter. Criteria: GeneDx Variant Classification Process June 2021. Collection method: clinical testing. Allele origin: germline. Affected: yes.
Comment: Not observed at significant frequency in large population cohorts (gnomAD); In silico analysis suggests that this missense variant does not alter protein structure/function; Has not been previously published as pathogenic or benign to our knowledge